The following is an entry in ClinVar:

NM_001103.4(ACTN2):c.935C>T (p.Thr312Ile)

Gene: ACTN2 (actinin alpha 2; plus strand). Cytogenetic location: 1q43.
Variant type: single nucleotide variant.
Coding change: c.935C>T on transcript NM_001103.4 (MANE Select); coding-DNA position 935, C replaced by T.
Protein change: p.Thr312Ile; replaces threonine 312 with isoleucine.
Molecular consequence: missense variant. On other transcripts: non-coding transcript variant (1).
Genome position (GRCh38, 1-based): chr1:236,739,360, C>T. VCF-style: chr1-236739360-C-T. GRCh37 (hg19) VCF-style: chr1-236902660-C-T.
Other names: c.935C>T, p.Thr312Ile (NM_001278343.2); c.311C>T, p.Thr104Ile (NM_001278344.2); c.185C>T, p.Thr62Ile (NM_001412150.1); short protein forms T104I, T312I, T62I.
Identifiers: ClinVar variation 2943445 (VCV002943445.3), dbSNP rs2527599398, ClinGen allele CA345380170.
Genomic context (GRCh38, chr1:236,739,360, plus strand): 5'-AGCTTTTGGAATGGATTCGTCGCACGATCCCCTGGCTGGAGAACCGGACTCCCGAGAAGA[C>T]CATGCAAGCCATGCAGAAGAAGCTGGAGGACTTCCGGGATTACCGCCGGAAGCACAAGCC-3'
Protein context (NP_001094.1, residues 302-322): PWLENRTPEK[Thr312Ile]MQAMQKKLED

ClinVar aggregate classification (germline): Uncertain significance (1 of 4 stars; one submission).

Conditions:
Dilated cardiomyopathy 1AA (CMD1AA). Also called: CARDIOMYOPATHY, DILATED, 1AA, WITH OR WITHOUT LEFT VENTRICULAR NONCOMPACTION; CARDIOMYOPATHY, FAMILIAL HYPERTROPHIC, 23, WITH OR WITHOUT LEFT VENTRICULAR NONCOMPACTION; Cardiomyopathy, dilated, 1AA, with or without LVNC. Identifiers: Orphanet 154, MedGen C2677338, MONDO:0012808, OMIM 612158.
Primary familial hypertrophic cardiomyopathy (HCM). Identifiers: Orphanet 99739, MedGen C0949658, MeSH D024741, MONDO:0024573. Inheritance: Various modes of inheritance.

Submission:

Labcorp Genetics (formerly Invitae), Labcorp
Classification: Uncertain significance for Primary familial hypertrophic cardiomyopathy; Dilated cardiomyopathy 1AA. Last evaluated: 2023-01-20. Review status: criteria provided, single submitter. Criteria: Invitae Variant Classification Sherloc (09022015). Collection method: clinical testing. Allele origin: germline.
Comment: In summary, the available evidence is currently insufficient to determine the role of this variant in disease. Therefore, it has been classified as a Variant of Uncertain Significance. Advanced modeling of protein sequence and biophysical properties (such as structural, functional, and spatial information, amino acid conservation, physicochemical variation, residue mobility, and thermodynamic stability) performed at Invitae indicates that this missense variant is expected to disrupt ACTN2 protein function. This variant has not been reported in the literature in individuals affected with ACTN2-related conditions. This variant is not present in population databases (gnomAD no frequency). This sequence change replaces threonine, which is neutral and polar, with isoleucine, which is neutral and non-polar, at codon 312 of the ACTN2 protein (p.Thr312Ile).